The following is an entry in ClinVar:

NM_018060.4(IARS2):c.638A>G (p.Tyr213Cys)

Gene: IARS2 (isoleucyl-tRNA synthetase 2, mitochondrial; plus strand). Cytogenetic location: 1q41.
Variant type: single nucleotide variant.
Coding change: c.638A>G on transcript NM_018060.4 (MANE Select); coding-DNA position 638, A replaced by G.
Protein change: p.Tyr213Cys; replaces tyrosine 213 with cysteine.
Molecular consequence: missense variant.
Genome position (GRCh38, 1-based): chr1:220,102,216, A>G. VCF-style: chr1-220102216-A-G. GRCh37 (hg19) VCF-style: chr1-220275558-A-G.
Other names: short protein forms Y213C.
Identifiers: ClinVar variation 3899123 (VCV003899123.2).

ClinVar aggregate classification (germline): Uncertain significance. Review status: criteria provided, multiple submitters, no conflicts (2 of 4 stars). 2 submissions from 2 submitters: Uncertain significance (2). Last evaluated 2025-09-08.

Conditions:
Inborn genetic diseases. Identifiers: MedGen C0950123, MeSH D030342.

gnomAD v4.1: 54 of 1,612,042 alleles (0.0033%); highest among the groups gnomAD compares: Non-Finnish European, 0.0045%; 1 homozygote.

Submissions (2):

Ambry Genetics
Classification: Uncertain significance for Inborn genetic diseases. Last evaluated: 2025-09-08. Review status: criteria provided, single submitter. Criteria: Ambry Variant Classification Scheme 2023. Collection method: clinical testing. Allele origin: germline.

GeneDx
Classification: Uncertain significance. Last evaluated: 2024-11-08. Review status: criteria provided, single submitter. Criteria: GeneDx Variant Classification Process June 2021. Collection method: clinical testing. Allele origin: germline. Affected: yes.
Comment: Not observed at significant frequency in large population cohorts (gnomAD); In silico analysis supports that this missense variant has a deleterious effect on protein structure/function; Has not been previously published as pathogenic or benign to our knowledge